The following is an entry in ClinVar:

ClinVar aggregate classification (germline): Uncertain significance (1 of 4 stars; one submission).

Conditions:
Rubinstein-Taybi syndrome due to EP300 haploinsufficiency. Also called: EP300-Related Rubinstein-Taybi Syndrome; RUBINSTEIN-TAYBI SYNDROME 2. Identifiers: Orphanet 353284, Orphanet 783, MedGen C3150941, MONDO:0013364, OMIM 613684.

Submission:

Labcorp Genetics (formerly Invitae), Labcorp
Classification: Uncertain significance for Rubinstein-Taybi syndrome due to EP300 haploinsufficiency. Last evaluated: 2023-04-20. Review status: criteria provided, single submitter. Criteria: Invitae Variant Classification Sherloc (09022015). Collection method: clinical testing. Allele origin: germline.
Comment: This variant has not been reported in the literature in individuals affected with EP300-related conditions. This variant is not present in population databases (gnomAD no frequency). This sequence change replaces methionine, which is neutral and non-polar, with valine, which is neutral and non-polar, at codon 177 of the EP300 protein (p.Met177Val). Advanced modeling of protein sequence and biophysical properties (such as structural, functional, and spatial information, amino acid conservation, physicochemical variation, residue mobility, and thermodynamic stability) performed at Invitae indicates that this missense variant is not expected to disrupt EP300 protein function. In summary, the available evidence is currently insufficient to determine the role of this variant in disease. Therefore, it has been classified as a Variant of Uncertain Significance.

NM_001429.4(EP300):c.529A>G (p.Met177Val)

Gene: EP300 (EP300 lysine acetyltransferase; plus strand). Cytogenetic location: 22q13.2.
Variant type: single nucleotide variant.
Coding change: c.529A>G on transcript NM_001429.4 (MANE Select); coding-DNA position 529, A replaced by G.
Protein change: p.Met177Val; replaces methionine 177 with valine.
Molecular consequence: missense variant.
Genome position (GRCh38, 1-based): chr22:41,117,621, A>G. VCF-style: chr22-41117621-A-G. GRCh37 (hg19) VCF-style: chr22-41513625-A-G.
Other names: c.529A>G, p.Met177Val (NM_001362843.2); short protein forms M177V.
Identifiers: ClinVar variation 2857943 (VCV002857943.3), dbSNP rs2518116501, ClinGen allele CA411681040.